The following is an entry in ClinVar:

ClinVar aggregate classification (germline): Uncertain significance (1 of 4 stars; one submission).

Submission:

GeneDx
Classification: Uncertain significance. Last evaluated: 2023-11-11. Review status: criteria provided, single submitter. Criteria: GeneDx Variant Classification Process June 2021. Collection method: clinical testing. Allele origin: germline. Affected: yes.
Comment: Not observed at significant frequency in large population cohorts (gnomAD); In silico analysis supports that this missense variant does not alter protein structure/function; Has not been previously published as pathogenic or benign to our knowledge

NM_013436.5(NCKAP1):c.2774G>A (p.Arg925Lys)

Gene: NCKAP1 (NCK associated protein 1; minus strand). Cytogenetic location: 2q32.1.
Variant type: single nucleotide variant.
Coding change: c.2774G>A on transcript NM_013436.5 (MANE Select); coding-DNA position 2774, G replaced by A.
Protein change: p.Arg925Lys; replaces arginine 925 with lysine.
Molecular consequence: missense variant.
Genome position (GRCh38, 1-based): chr2:182,935,297, C>T on the plus strand (G>A on the coding strand, the complement: NCKAP1 is on the minus strand). VCF-style: chr2-182935297-C-T. GRCh37 (hg19) VCF-style: chr2-183800025-C-T.
Other names: c.2792G>A, p.Arg931Lys (NM_205842.3); short protein forms R925K, R931K.
Identifiers: ClinVar variation 3364277 (VCV003364277.1).